The following is an entry in ClinVar:

ClinVar aggregate classification (germline): Pathogenic. Review status: criteria provided, multiple submitters, no conflicts (2 of 4 stars). 3 submissions from 3 submitters: Pathogenic (2). 1 of the submissions does not count toward it. Last evaluated 2026-01-22.

Conditions:
LAMA2-related muscular dystrophy (LAMA2-RD). Also called: Laminin alpha 2-related dystrophy. Identifiers: MedGen C5679788, MONDO:0100228.
Merosin deficient congenital muscular dystrophy (MDC1A). Also called: Congenital Muscular Dystrophy Type 1A (MDC1A); Congenital merosin-deficient muscular dystrophy 1A. Identifiers: Orphanet 258, MedGen C1263858, MONDO:0011925, OMIM 607855.

Submissions (3):

Labcorp Genetics (formerly Invitae), Labcorp
Classification: Pathogenic for LAMA2-related muscular dystrophy. Last evaluated: 2026-01-22. Review status: criteria provided, single submitter. Criteria: Invitae Variant Classification Sherloc (09022015). Collection method: clinical testing. Allele origin: germline.
Comment: This sequence change creates a premature translational stop signal (p.Ile3033Aspfs*6) in the LAMA2 gene. It is expected to result in an absent or disrupted protein product. Loss-of-function variants in LAMA2 are known to be pathogenic (PMID: 18700894, 32904964). This variant is not present in population databases (gnomAD no frequency). This premature translational stop signal has been observed in individual(s) with clinical features of LAMA2-related conditions (PMID: 27447704, 30055037). ClinVar contains an entry for this variant (Variation ID: 552139). For these reasons, this variant has been classified as Pathogenic.

CeGaT Center for Human Genetics Tuebingen
Classification: Pathogenic. Last evaluated: 2026-01-01. Review status: criteria provided, single submitter. Criteria: CeGaT Center For Human Genetics Tuebingen Variant Classification Criteria Version 2. Collection method: clinical testing. Allele origin: germline. Affected: yes. Observed: 1 variant allele.
Comment: LAMA2: PVS1, PM2

Counsyl
Classification: Likely pathogenic for Merosin deficient congenital muscular dystrophy. Last evaluated: 2017-05-24. Review status: no assertion criteria provided. Collection method: clinical testing. Allele origin: unknown. Not counted in ClinVar's aggregate classification.

Literature cited by the submitters: PubMed 18700894 (cited by Labcorp Genetics (formerly Invitae), Labcorp); PubMed 32904964 (cited by Labcorp Genetics (formerly Invitae), Labcorp); PubMed 27447704 (cited by Labcorp Genetics (formerly Invitae), Labcorp); PubMed 30055037 (cited by Labcorp Genetics (formerly Invitae), Labcorp).

NM_000426.4(LAMA2):c.9095dup (p.Ile3033fs)

Gene: LAMA2 (laminin subunit alpha 2; plus strand). Cytogenetic location: 6q22.33.
Variant type: Duplication.
Coding change: c.9095dup on transcript NM_000426.4 (MANE Select); coding-DNA position 9095, one base duplicated (A; older notation c.9095dupA).
Protein change: p.Ile3033fs; shifts the reading frame from isoleucine 3033.
Molecular consequence: frameshift variant.
Genome position (GRCh38, 1-based): chr6:129,514,479, A duplicated; the last of 2 consecutive A bases (chr6:129,514,478-129,514,479); duplicating either gives the same sequence. VCF-style (leftmost placement, unchanged base first): chr6-129514477-C-CA. GRCh37 (hg19) VCF-style: chr6-129835622-C-CA.
Other names: c.9083dup, p.Ile3029fs (NM_001079823.2); c.9095dupA (NM_000426.3); short protein forms I3029fs, I3033fs.
Identifiers: ClinVar variation 552139 (VCV000552139.7), dbSNP rs1554320205, ClinGen allele CA658822157.